The following is an entry in ClinVar:

ClinVar aggregate classification (germline): Uncertain significance (1 of 4 stars; one submission).

Conditions:
Dilated cardiomyopathy 1W (CMD1W). Identifiers: Orphanet 154, MedGen C1969639, MONDO:0012667, OMIM 611407.

Submission:

Labcorp Genetics (formerly Invitae), Labcorp
Classification: Uncertain significance for Dilated cardiomyopathy 1W. Last evaluated: 2024-09-06. Review status: criteria provided, single submitter. Criteria: Invitae Variant Classification Sherloc (09022015). Collection method: clinical testing. Allele origin: germline.
Comment: This sequence change replaces leucine, which is neutral and non-polar, with phenylalanine, which is neutral and non-polar, at codon 1098 of the VCL protein (p.Leu1098Phe). This variant is not present in population databases (gnomAD no frequency). This variant has not been reported in the literature in individuals affected with VCL-related conditions. An algorithm developed to predict the effect of missense changes on protein structure and function (PolyPhen-2) suggests that this variant is likely to be disruptive. In summary, the available evidence is currently insufficient to determine the role of this variant in disease. Therefore, it has been classified as a Variant of Uncertain Significance.

NM_014000.3(VCL):c.3292C>T (p.Leu1098Phe)

Gene: VCL (vinculin; plus strand). Cytogenetic location: 10q22.2.
Variant type: single nucleotide variant.
Coding change: c.3292C>T on transcript NM_014000.3 (MANE Select); coding-DNA position 3292, C replaced by T.
Protein change: p.Leu1098Phe; replaces leucine 1098 with phenylalanine.
Molecular consequence: missense variant.
Genome position (GRCh38, 1-based): chr10:74,118,056, C>T. VCF-style: chr10-74118056-C-T. GRCh37 (hg19) VCF-style: chr10-75877814-C-T.
Other names: c.3088C>T, p.Leu1030Phe (NM_003373.4); short protein forms L1030F, L1098F.
Identifiers: ClinVar variation 3664950 (VCV003664950.2).